The following is an entry in ClinVar:

ClinVar aggregate classification (germline): Uncertain significance (1 of 4 stars; one submission).

Submission:

GeneDx
Classification: Uncertain significance. Last evaluated: 2024-09-16. Review status: criteria provided, single submitter. Criteria: GeneDx Variant Classification Process June 2021. Collection method: clinical testing. Allele origin: germline. Affected: yes.
Comment: Not observed at significant frequency in large population cohorts (gnomAD); In silico analysis supports that this missense variant has a deleterious effect on protein structure/function; Has not been previously published as pathogenic or benign to our knowledge; In silico analysis suggests this variant may impact gene splicing. In the absence of RNA/functional studies, the actual effect of this sequence change is unknown.

NM_005499.3(UBA2):c.805A>G (p.Met269Val)

Gene: UBA2 (ubiquitin like modifier activating enzyme 2; plus strand). Cytogenetic location: 19q13.11.
Variant type: single nucleotide variant.
Coding change: c.805A>G on transcript NM_005499.3 (MANE Select); coding-DNA position 805, A replaced by G.
Protein change: p.Met269Val; replaces methionine 269 with valine.
Molecular consequence: missense variant.
Genome position (GRCh38, 1-based): chr19:34,450,298, A>G. VCF-style: chr19-34450298-A-G. GRCh37 (hg19) VCF-style: chr19-34941203-A-G.
Other names: c.517A>G, p.Met173Val (NM_001411139.1); short protein forms M173V, M269V.
Identifiers: ClinVar variation 3774046 (VCV003774046.1).